The following is an entry in ClinVar:

ClinVar aggregate classification (germline): Likely benign. Review status: criteria provided, multiple submitters, no conflicts (2 of 4 stars). 2 submissions from 2 submitters: Likely benign (2). Last evaluated 2026-07-07.

Conditions:
Rhabdoid tumor predisposition syndrome 2 (RTPS2). Identifiers: Orphanet 231108, Orphanet 69077, MedGen C2750074, MONDO:0013224, OMIM 613325.

Allele frequency attached by ClinVar (database versions not stated): gnomAD exomes below 0.00001.

Submissions (2):

Myriad Genetics, Inc.
Classification: Likely benign for Rhabdoid tumor predisposition syndrome 2. Last evaluated: 2026-07-07. Review status: criteria provided, single submitter. Criteria: Myriad Autosomal Dominant, Autosomal Recessive and X-Linked Classification Criteria (2023). Collection method: clinical testing. Allele origin: unknown.
Comment: This variant is considered likely benign. This variant is intronic and is not expected to impact mRNA splicing.

Labcorp Genetics (formerly Invitae), Labcorp
Classification: Likely benign for Rhabdoid tumor predisposition syndrome 2. Last evaluated: 2025-07-18. Review status: criteria provided, single submitter. Criteria: Invitae Variant Classification Sherloc (09022015). Collection method: clinical testing. Allele origin: germline.

NM_003072.5(SMARCA4):c.3081+10A>G

Gene: SMARCA4 (SWI/SNF related BAF chromatin remodeling complex subunit ATPase 4; plus strand). Cytogenetic location: 19p13.2.
Variant type: single nucleotide variant.
Coding change: c.3081+10A>G on transcript NM_003072.5 (MANE Select); 10 bases into the intron after coding-DNA position 3081, A replaced by G.
Molecular consequence: intron variant.
Genome position (GRCh38, 1-based): chr19:11,024,448, A>G. VCF-style: chr19-11024448-A-G. GRCh37 (hg19) VCF-style: chr19-11135124-A-G.
Other names: c.3081+10A>G (NM_001128844.3, NM_001128849.3, NM_001128847.4 and 5 more transcripts).
Identifiers: ClinVar variation 1126538 (VCV001126538.11), dbSNP rs2146476506, ClinGen allele CA2499225286.